The following is an entry in ClinVar:

NM_017780.4(CHD7):c.278C>T (p.Thr93Ile)

Gene: CHD7 (chromodomain helicase DNA binding protein 7; plus strand). Cytogenetic location: 8q12.2.
Variant type: single nucleotide variant.
Coding change: c.278C>T on transcript NM_017780.4 (MANE Select); coding-DNA position 278, C replaced by T.
Protein change: p.Thr93Ile; replaces threonine 93 with isoleucine.
Molecular consequence: missense variant.
Genome position (GRCh38, 1-based): chr8:60,741,710, C>T. VCF-style: chr8-60741710-C-T. GRCh37 (hg19) VCF-style: chr8-61654269-C-T.
Other names: c.278C>T, p.Thr93Ile (NM_001316690.1); short protein forms T93I.
Identifiers: ClinVar variation 1476353 (VCV001476353.6), dbSNP rs1809027007, ClinGen allele CA371296956.

ClinVar aggregate classification (germline): Uncertain significance. Review status: criteria provided, multiple submitters, no conflicts (2 of 4 stars). 2 submissions from 2 submitters: Uncertain significance (2). Last evaluated 2022-02-05.

Conditions:
Hypogonadotropic hypogonadism 5 with or without anosmia (KAL5). Also called: HYPOGONADOTROPIC HYPOGONADISM 5 WITH ANOSMIA; HYPOGONADOTROPHIC HYPOGONADISM 5 WITHOUT ANOSMIA; CHD7-Related GnRH Deficiency (Kallmann Syndrome 5). Identifiers: Orphanet 478, MedGen C3552553, MONDO:0012880, OMIM 612370. Disease mechanism: loss of function.
CHARGE syndrome (CHARGE). Also called: Coloboma, heart anomaly, choanal atresia, retardation, genital and ear anomalies; CHARGE association; Hall-Hittner syndrome; Hittner Hirsch Kreh syndrome; CHARGE ASSOCIATION--COLOBOMA, HEART ANOMALY, CHOANAL ATRESIA, RETARDATION, GENITAL AND EAR ANOMALIES. Identifiers: Orphanet 138, MedGen C0265354, MONDO:0008965.

Submissions (2):

Labcorp Genetics (formerly Invitae), Labcorp
Classification: Uncertain significance for CHARGE syndrome. Last evaluated: 2022-02-05. Review status: criteria provided, single submitter. Criteria: Invitae Variant Classification Sherloc (09022015). Collection method: clinical testing. Allele origin: germline.
Comment: This sequence change replaces threonine, which is neutral and polar, with isoleucine, which is neutral and non-polar, at codon 93 of the CHD7 protein (p.Thr93Ile). This variant is not present in population databases (gnomAD no frequency). This variant has not been reported in the literature in individuals affected with CHD7-related conditions. Advanced modeling of protein sequence and biophysical properties (such as structural, functional, and spatial information, amino acid conservation, physicochemical variation, residue mobility, and thermodynamic stability) performed at Invitae indicates that this missense variant is not expected to disrupt CHD7 protein function. In summary, the available evidence is currently insufficient to determine the role of this variant in disease. Therefore, it has been classified as a Variant of Uncertain Significance.

Fulgent Genetics
Classification: Uncertain significance for CHD7-related CHARGE syndrome; Hypogonadotropic hypogonadism 5 with or without anosmia. Last evaluated: 2021-07-23. Review status: criteria provided, single submitter. Criteria: ACMG Guidelines, 2015. Collection method: clinical testing. Allele origin: unknown.